The following is an entry in ClinVar:

NM_198565.3(NRROS):c.1249G>A (p.Val417Ile)

Gene: NRROS (negative regulator of reactive oxygen species; plus strand). Cytogenetic location: 3q29.
Variant type: single nucleotide variant.
Coding change: c.1249G>A on transcript NM_198565.3 (MANE Select); coding-DNA position 1249, G replaced by A.
Protein change: p.Val417Ile; replaces valine 417 with isoleucine.
Molecular consequence: missense variant.
Genome position (GRCh38, 1-based): chr3:196,660,892, G>A. VCF-style: chr3-196660892-G-A. GRCh37 (hg19) VCF-style: chr3-196387763-G-A.
Other names: short protein forms V417I.
Identifiers: ClinVar variation 4533846 (VCV004533846.6).

ClinVar aggregate classification (germline): Likely benign (1 of 4 stars; one submission).

gnomAD v4.1: 1,802 of 1,614,094 alleles (0.11%); highest among the groups gnomAD compares: African/African-American, 1.2%; 14 homozygotes.

Submission:

CeGaT Center for Human Genetics Tuebingen
Classification: Likely benign. Last evaluated: 2025-11-01. Review status: criteria provided, single submitter. Criteria: CeGaT Center For Human Genetics Tuebingen Variant Classification Criteria Version 2. Collection method: clinical testing. Allele origin: germline. Affected: yes. Observed: 1 variant allele.
Comment: NRROS: BP4, BS1